The following is an entry in ClinVar:

NM_018036.7(ATG2B):c.6150G>A (p.Thr2050=)

Gene: ATG2B (autophagy related 2B; minus strand). Cytogenetic location: 14q32.2.
Variant type: single nucleotide variant.
Coding change: c.6150G>A on transcript NM_018036.7 (MANE Select); coding-DNA position 6150, G replaced by A.
Protein change: p.Thr2050=; no amino-acid change (threonine 2050 retained).
Molecular consequence: synonymous variant.
Genome position (GRCh38, 1-based): chr14:96,285,842, C>T on the plus strand (G>A on the coding strand, the complement: ATG2B is on the minus strand). VCF-style: chr14-96285842-C-T. GRCh37 (hg19) VCF-style: chr14-96752179-C-T.
Identifiers: ClinVar variation 3039091 (VCV003039091.2), dbSNP rs377132770, ClinGen allele CA7335438.

ClinVar aggregate classification (germline): Likely benign (0 of 4 stars; one submission).

Conditions:
ATG2B-related disorder. Also called: ATG2B-related condition.

Allele frequency attached by ClinVar (database versions not stated): TOPMed 0.00002; ExAC 0.00003; gnomAD 0.00003; gnomAD exomes 0.00004; ESP Exome Variant Server 0.00008.

Submission:

PreventionGenetics, part of Exact Sciences
Classification: Likely benign for ATG2B-related condition. Last evaluated: 2019-05-21. Review status: no assertion criteria provided. Collection method: clinical testing. Allele origin: germline.
Comment: This variant is classified as likely benign based on ACMG/AMP sequence variant interpretation guidelines (Richards et al. 2015 PMID: 25741868, with internal and published modifications).